The following is an entry in ClinVar:

NM_005360.5(MAF):c.598C>A (p.Pro200Thr)

Gene: MAF (MAF bZIP transcription factor; minus strand). Cytogenetic location: 16q23.2.
Variant type: single nucleotide variant.
Coding change: c.598C>A on transcript NM_005360.5 (MANE Select); coding-DNA position 598, C replaced by A.
Protein change: p.Pro200Thr; replaces proline 200 with threonine.
Molecular consequence: missense variant.
Genome position (GRCh38, 1-based): chr16:79,599,305, G>T on the plus strand (C>A on the coding strand, the complement: MAF is on the minus strand). VCF-style: chr16-79599305-G-T. GRCh37 (hg19) VCF-style: chr16-79633202-G-T.
Other names: c.598C>A, p.Pro200Thr (NM_001031804.3); short protein forms P200T.
Identifiers: ClinVar variation 3032675 (VCV003032675.2), dbSNP rs2507660679, ClinGen allele CA396535605.

ClinVar aggregate classification (germline): Uncertain significance (0 of 4 stars; one submission).

Conditions:
MAF-related disorder. Also called: MAF-related condition.

Submission:

PreventionGenetics, part of Exact Sciences
Classification: Uncertain significance for MAF-related condition. Last evaluated: 2023-12-01. Review status: no assertion criteria provided. Collection method: clinical testing. Allele origin: germline.
Comment: The MAF c.598C>A variant is predicted to result in the amino acid substitution p.Pro200Thr. To our knowledge, this variant has not been reported in the literature or in a large population database, indicating this variant is rare. At this time, the clinical significance of this variant is uncertain due to the absence of conclusive functional and genetic evidence.